The following is an entry in ClinVar:

ClinVar aggregate classification (germline): Uncertain significance. Review status: criteria provided, multiple submitters, no conflicts (2 of 4 stars). 2 submissions from 2 submitters: Uncertain significance (2). Last evaluated 2022-08-12.

Conditions:
Primary dilated cardiomyopathy (DCM). Also called: Dilated Cardiomyopathy. Identifiers: Orphanet 217604, MedGen C0007193, MeSH D002311, MONDO:0005021, HP:0001644. Inheritance: Various modes of inheritance.

Allele frequency attached by ClinVar (database versions not stated): gnomAD 0.00001; TOPMed 0.00001.
gnomAD v4.1: 1 of 1,613,620 alleles (0.000062%); highest among the groups gnomAD compares: Non-Finnish European, 0.000085%; no homozygotes.

Submissions (2):

Labcorp Genetics (formerly Invitae), Labcorp
Classification: Uncertain significance for Primary dilated cardiomyopathy. Last evaluated: 2022-08-12. Review status: criteria provided, single submitter. Criteria: Invitae Variant Classification Sherloc (09022015). Collection method: clinical testing. Allele origin: germline.
Comment: In summary, the available evidence is currently insufficient to determine the role of this variant in disease. Therefore, it has been classified as a Variant of Uncertain Significance. Algorithms developed to predict the effect of missense changes on protein structure and function (SIFT, PolyPhen-2, Align-GVGD) all suggest that this variant is likely to be disruptive. ClinVar contains an entry for this variant (Variation ID: 1315933). This variant has not been reported in the literature in individuals affected with TXNRD2-related conditions. This variant is not present in population databases (gnomAD no frequency). This sequence change replaces tyrosine, which is neutral and polar, with cysteine, which is neutral and slightly polar, at codon 405 of the TXNRD2 protein (p.Tyr405Cys).

GeneDx
Classification: Uncertain significance. Last evaluated: 2019-11-05. Review status: criteria provided, single submitter. Criteria: GeneDx Variant Classification Process June 2021. Collection method: clinical testing. Allele origin: germline. Affected: yes.
Comment: Has not been previously published as pathogenic or benign to our knowledge; Not observed in large population cohorts (Lek et al., 2016); In silico analysis, which includes protein predictors and evolutionary conservation, supports a deleterious effect

NM_006440.5(TXNRD2):c.1214A>G (p.Tyr405Cys)

Gene: TXNRD2 (thioredoxin reductase 2; minus strand). Cytogenetic location: 22q11.21.
Variant type: single nucleotide variant.
Coding change: c.1214A>G on transcript NM_006440.5 (MANE Select); coding-DNA position 1214, A replaced by G.
Protein change: p.Tyr405Cys; replaces tyrosine 405 with cysteine.
Molecular consequence: missense variant. On other transcripts: non-coding transcript variant (1).
Genome position (GRCh38, 1-based): chr22:19,880,240, T>C on the plus strand (A>G on the coding strand, the complement: TXNRD2 is on the minus strand). VCF-style: chr22-19880240-T-C. GRCh37 (hg19) VCF-style: chr22-19867763-T-C.
Other names: c.1211A>G, p.Tyr404Cys (NM_001352300.2); c.1124A>G, p.Tyr375Cys (NM_001352301.2); c.926A>G, p.Tyr309Cys (NM_001352302.2); short protein forms Y309C, Y375C, Y404C, Y405C.
Identifiers: ClinVar variation 1315933 (VCV001315933.9), dbSNP rs934895346, ClinGen allele CA322092044.
Genomic context (GRCh38, chr22:19,880,240, plus strand): 5'-TCAACATGCTCCTGCCCGTGGCGAGCCACTGCCTCCTCCTCGGACAGCCCCACACAGCCA[T>C]ACTCCAGCGGGGTGAAGACGGTCGTGGGAACCTGAAAGCAGGTCTGGAGTCAGGGAGGGC-3'
Protein context (NP_006431.2, residues 395-415): VPTTVFTPLE[Tyr405Cys]GCVGLSEEEA